The following is an entry in ClinVar:

ClinVar aggregate classification (germline): Uncertain significance. Review status: reviewed by expert panel (3 of 4 stars). 13 submissions from 13 submitters: Uncertain significance (1). 12 of the submissions do not count toward it. Last evaluated 2023-01-02.

Conditions:
Glycogen storage disease, type II (IOPD). Also called: Glycogen storage disease type 2; Acid maltase deficiency disease; Aglucosidase alfa; Deficiency of alpha-glucosidase; Deficiency of lysosomal alpha-glucosidase; POMPE DISEASE, INFANTILE-ONSET. Identifiers: Orphanet 365, MedGen C0017921, MONDO:0009290, OMIM 232300.

Allele frequency attached by ClinVar (database versions not stated): TOPMed 0.00002; 1000 Genomes Project 0.00020; gnomAD exomes 0.00025 and 0.00013; gnomAD 0.00006 and 0.00001; 1000 Genomes Project 30x 0.00016; ExAC 0.00033.
gnomAD v4.1: 193 of 1,612,996 alleles (0.012%); highest among the groups gnomAD compares: South Asian, 0.16%; no homozygotes.

Submissions (13):

ClinGen Lysosomal Storage Disorder Variant Curation Expert Panel
Classification: Uncertain significance for Glycogen storage disease, type II. Last evaluated: 2023-01-02. Review status: reviewed by expert panel. Criteria: clingen_lsd_acmg_specifications_v2-1. Collection method: curation. Allele origin: germline. Inheritance: Autosomal recessive inheritance.
Comment: The NM_000152.5:c.265C>T variant in GAA is a missense variant predicted to cause substitution of arginine by cysteine at amino acid 89 (p.Arg89Cys). At least 1 proband with this variant had documented GAA deficiency with activity in the affected range in dried blood spot was reported (clinical laboratory data). However, the phase of the pseudodeficiency variant is unknown so PM3 was not applied. The highest population minor allele frequency for this variant in gnomAD v2.1.1 is 0.001898 (58/30556 alleles) in the South Asian population (none of the population data codes are met). The computational predictor REVEL gives a score of 0.861 which is above the threshold of 0.7, evidence that correlates with impact to GAA function (PP3). One other missense variant, c.266G>A (p.Arg89His) (ClinVar Variation ID: 283219) has been reported in patients with Pompe disease (PMID: 28196920, 28600779, 25626711, 33202836). However, this variant has been classified as a variant of uncertain significance by the ClinGen LSD VCEP and, therefore, this evidence is not sufficient to meet PM5 at any strength. There is a ClinVar entry for this variant (Variation ID: 456412; 1 star review status) with one submitter classifying the variant as Likely Pathogenic and 5 as a variant of uncertain significance. In summary, this variant meets the criteria to be classified as a Variant of Uncertain Significance for Pompe disease based on the ACMG/AMP criteria applied, as specified by the ClinGen Lysosomal Storage Disorders Variant Curation Expert panel (specifications Version 2.0): PP3. (Classification approved by the ClinGen LSD VCEP on December 20, 2022)

Genomenon, Inc
Classification: Likely pathogenic for Glycogen storage disease, type II. Last evaluated: 2026-07-01. Review status: criteria provided, single submitter. Criteria: Genomenon Sequence Variant Interpretation Standards - Updated. Collection method: curation. Allele origin: germline. Affected: yes. Not counted in ClinVar's aggregate classification.
Comment: GAA p.Arg89Cys (c.265C>T) is a missense variant that changes the amino acid at codon 89 from Arginine to Cysteine. This variant has been observed in at least one proband with a GAA-related disorder in the compound heterozygous and/or homozygous state (PMID:33073003;37087815). The presence of pathogenic/likely pathogenic missense variant(s) at the same amino acid position indicates that this residue is likely important for protein function. In silico models predict that this variant is possibly or probably damaging. In conclusion, we classify GAA p.Arg89Cys (c.265C>T) as a likely pathogenic variant.

Labcorp Genetics (formerly Invitae), Labcorp
Classification: Likely pathogenic for Glycogen storage disease, type II. Last evaluated: 2026-01-28. Review status: criteria provided, single submitter. Criteria: Invitae Variant Classification Sherloc (09022015). Collection method: clinical testing. Allele origin: germline. Not counted in ClinVar's aggregate classification.
Comment: This sequence change replaces arginine, which is basic and polar, with cysteine, which is neutral and slightly polar, at codon 89 of the GAA protein (p.Arg89Cys). This variant is present in population databases (rs534192892, gnomAD 0.2%). This missense change has been observed in individual(s) with clinical features of Pompe disease (PMID: 33073007, 37087815; internal data). ClinVar contains an entry for this variant (Variation ID: 456412). Invitae Evidence Modeling of protein sequence and biophysical properties (such as structural, functional, and spatial information, amino acid conservation, physicochemical variation, residue mobility, and thermodynamic stability) indicates that this missense variant is expected to disrupt GAA protein function with a positive predictive value of 95%. This variant disrupts the p.Arg89 amino acid residue in GAA. Other variant(s) that disrupt this residue have been determined to be pathogenic (PMID: 25626711). This suggests that this residue is clinically significant, and that variants that disrupt this residue are likely to be disease-causing. In summary, the currently available evidence indicates that the variant is pathogenic, but additional data are needed to prove that conclusively. Therefore, this variant has been classified as Likely Pathogenic.

Mayo Clinic Laboratories, Mayo Clinic
Classification: Uncertain significance. Last evaluated: 2025-10-16. Review status: criteria provided, single submitter. Criteria: ACMG Guidelines, 2015. Collection method: clinical testing. Allele origin: germline. Observed: 3 variant alleles. Not counted in ClinVar's aggregate classification.
Comment: PP3, PP4

Revvity Omics, Revvity
Classification: Uncertain significance. Last evaluated: 2025-07-10. Review status: criteria provided, single submitter. Criteria: ACMG Guidelines, 2015. Collection method: clinical testing. Allele origin: germline. Not counted in ClinVar's aggregate classification.

Women's Health and Genetics/Laboratory Corporation of America, LabCorp
Classification: Uncertain significance. Last evaluated: 2025-05-23. Review status: criteria provided, single submitter. Criteria: LabCorp Variant Classification Summary - May 2015. Collection method: clinical testing. Allele origin: germline. Not counted in ClinVar's aggregate classification.
Comment: Variant summary: GAA c.265C>T (p.Arg89Cys) results in a non-conservative amino acid change located in the P-type trefoil domain of the encoded protein sequence. Five of five in-silico tools predict a damaging effect of the variant on protein function. The variant allele was found at a frequency of 0.00025 in 248200 control chromosomes. This frequency is not significantly higher than estimated for a pathogenic variant in GAA causing Glycogen Storage Disease, Type 2 (Pompe Disease) (0.00025 vs 0.0042), allowing no conclusion about variant significance. c.265C>T has been reported in the literature in the presumed compound heterozygous or unknown state in multiple individuals affected with a positive newborn screening result and/or presumptive diagnosis for GAA-related disease (example: Sniderman_2023, Tang_2020, Internal data). A different variant at this codon, c.266G>A (p.Arg89His), has been classified as likely pathogenic/pathogenic at Labcorp, supporting the critical relevance of codon 89 for GAA protein function. These data suggest the variant may be associated with disease. To our knowledge, no experimental evidence demonstrating an impact on protein function has been reported. The following publications have been ascertained in the context of this evaluation (PMID: 37087815, 33073007, 33560568). ClinVar contains an entry for this variant (Variation ID: 456412). Based on the evidence outlined above, the variant was classified as VUS-possibly pathogenic.

Blueprint Genetics
Classification: Uncertain significance. Last evaluated: 2024-04-10. Review status: criteria provided, single submitter. Criteria: ACMG Guidelines, 2015. Collection method: clinical testing. Allele origin: germline. Not counted in ClinVar's aggregate classification.

Genome-Nilou Lab
Classification: Uncertain significance for Glycogen storage disease, type II. Last evaluated: 2021-09-05. Review status: criteria provided, single submitter. Criteria: ACMG Guidelines, 2015. Collection method: clinical testing. Allele origin: germline. Affected: no. Not counted in ClinVar's aggregate classification.

GeneDx
Classification: Uncertain significance. Last evaluated: 2019-11-05. Review status: criteria provided, single submitter. Criteria: GeneDx Variant Classification Process June 2021. Collection method: clinical testing. Allele origin: germline. Affected: yes. Not counted in ClinVar's aggregate classification.
Comment: In silico analysis, which includes protein predictors and evolutionary conservation, supports a deleterious effect; Has not been previously published as pathogenic or benign to our knowledge

Fulgent Genetics
Classification: Uncertain significance for Glycogen storage disease, type II. Last evaluated: 2018-10-31. Review status: criteria provided, single submitter. Criteria: ACMG Guidelines, 2015. Collection method: clinical testing. Allele origin: unknown. Not counted in ClinVar's aggregate classification.

Genetic Services Laboratory, University of Chicago
Classification: Uncertain significance. Last evaluated: 2017-11-15. Review status: criteria provided, single submitter. Criteria: ACMG Guidelines, 2015. Collection method: clinical testing. Allele origin: germline. Affected: no. Not counted in ClinVar's aggregate classification.

Kariminejad - Najmabadi Pathology & Genetics Center
Classification: Likely pathogenic for Glycogen storage disease, type II. Review status: criteria provided, single submitter. Criteria: ACMG Guidelines, 2015. Collection method: clinical testing. Allele origin: germline. Affected: no. Not counted in ClinVar's aggregate classification.

Natera, Inc.
Classification: Uncertain significance for Glycogen storage disease type II. Last evaluated: 2020-01-23. Review status: no assertion criteria provided. Collection method: clinical testing. Allele origin: germline. Not counted in ClinVar's aggregate classification.

Literature cited by the submitters: PubMed 33073003 (cited by Genomenon, Inc); PubMed 37087815 (cited by 4 submitters); PubMed 33073007 (cited by 3 submitters); PubMed 25626711 (cited by Labcorp Genetics (formerly Invitae), Labcorp); PubMed 33560568 (cited by Mayo Clinic Laboratories, Mayo Clinic and Women's Health and Genetics/Laboratory Corporation of America, LabCorp).

NM_000152.5(GAA):c.265C>T (p.Arg89Cys)

Gene: GAA (alpha glucosidase; plus strand). Cytogenetic location: 17q25.3.
Variant type: single nucleotide variant.
Coding change: c.265C>T on transcript NM_000152.5 (MANE Select); coding-DNA position 265, C replaced by T.
Protein change: p.Arg89Cys; replaces arginine 89 with cysteine.
Molecular consequence: missense variant.
Genome position (GRCh38, 1-based): chr17:80,104,851, C>T. VCF-style: chr17-80104851-C-T. GRCh37 (hg19) VCF-style: chr17-78078650-C-T.
Other names: NM_000152.5(GAA):c.265C>T; p.Arg89Cys; c.265C>T, p.Arg89Cys (NM_001079803.3, NM_001079804.3); c.265C>T (LRG_673t1); short protein forms R89C.
Identifiers: ClinVar variation 456412 (VCV000456412.32), dbSNP rs534192892, ClinGen allele CA8814832.